The following is an entry in ClinVar:

ClinVar aggregate classification (germline): Likely benign (1 of 4 stars; one submission).

gnomAD v4.1: 2 of 1,600,996 alleles (0.00012%); highest among the groups gnomAD compares: Non-Finnish European, 0.00017%; no homozygotes.

Submission:

GeneDx
Classification: Likely benign. Last evaluated: 2017-03-22. Review status: criteria provided, single submitter. Criteria: GeneDx Variant Classification (06012015). Collection method: clinical testing. Allele origin: germline. Affected: yes.
Comment: This variant is considered likely benign or benign based on one or more of the following criteria: it is a conservative change, it occurs at a poorly conserved position in the protein, it is predicted to be benign by multiple in silico algorithms, and/or has population frequency not consistent with disease.

NM_003366.4(UQCRC2):c.1124+12T>C

Genes: PDZD9 (PDZ domain containing 9), UQCRC2 (ubiquinol-cytochrome c reductase core protein 2). Cytogenetic location: 16p12.2.
Variant type: single nucleotide variant.
Coding change: c.1124+12T>C on transcript NM_003366.4 (MANE Select); 12 bases into the intron after coding-DNA position 1124, T replaced by C.
Molecular consequence: intron variant.
Genome position (GRCh38, 1-based): chr16:21,976,255, T>C. VCF-style: chr16-21976255-T-C. GRCh37 (hg19) VCF-style: chr16-21987576-T-C.
Identifiers: ClinVar variation 507942 (VCV000507942.1), dbSNP rs766327949, ClinGen allele CA7953956.